The following is an entry in ClinVar:

NM_001379081.2(FREM1):c.329+7G>A

Gene: FREM1 (FRAS1 related extracellular matrix 1; minus strand). Cytogenetic location: 9p22.3.
Variant type: single nucleotide variant.
Coding change: c.329+7G>A on transcript NM_001379081.2 (MANE Select); 7 bases into the intron after coding-DNA position 329, G replaced by A.
Molecular consequence: intron variant.
Genome position (GRCh38, 1-based): chr9:14,863,802, C>T on the plus strand (G>A on the coding strand, the complement: FREM1 is on the minus strand). VCF-style: chr9-14863802-C-T. GRCh37 (hg19) VCF-style: chr9-14863800-C-T.
Other names: c.329+7G>A (NM_144966.7, NM_001370065.1, NM_001370063.1 and 1 more transcripts).
Identifiers: ClinVar variation 913240 (VCV000913240.9), dbSNP rs180917208, ClinGen allele CA4991619.
Genomic context (GRCh38, chr9:14,863,802, plus strand): 5'-AAAAGCCCTCATAAGAACACAGAATGGTTACTTGGCAGCAAATGAGCGATGTTCCCGTGC[C>T]GCTTACCTGTAAAGTCTGAGCTTCACTGTGTCTTCATCAAGAATTGGACAACCATTGTGA-3'

ClinVar aggregate classification (germline): Conflicting classifications of pathogenicity. Review status: criteria provided, conflicting classifications (1 of 4 stars). 3 submissions from 3 submitters: Uncertain significance (1); Likely benign (1). 1 of the submissions does not count toward it. Last evaluated 2023-04-10.

Conditions:
FREM1-related disorder. Also called: FREM1-Related Disorders; FREM1-related condition.
Oculotrichoanal syndrome (MOTA). Also called: MARLES SYNDROME; Manitoba Oculotrichoanal (MOTA) Syndrome. Identifiers: Orphanet 2717, MedGen C1855425, MONDO:0009560, OMIM 248450.

Allele frequency attached by ClinVar (database versions not stated): gnomAD 0.00002 and 0.00003; TOPMed 0.00003; gnomAD exomes 0.00004; ExAC 0.00006; 1000 Genomes Project 0.00040; 1000 Genomes Project 30x 0.00062.
gnomAD v4.1: 34 of 1,582,764 alleles (0.0021%); highest among the groups gnomAD compares: South Asian, 0.021%; no homozygotes.

Submissions (3):

Labcorp Genetics (formerly Invitae), Labcorp
Classification: Likely benign. Last evaluated: 2023-04-10. Review status: criteria provided, single submitter. Criteria: Invitae Variant Classification Sherloc (09022015). Collection method: clinical testing. Allele origin: germline.

Illumina Laboratory Services, Illumina
Classification: Uncertain significance for Oculotrichoanal syndrome. Last evaluated: 2018-01-12. Review status: criteria provided, single submitter. Criteria: ICSL Variant Classification Criteria 13 December 2019. Collection method: clinical testing. Allele origin: germline.

PreventionGenetics, part of Exact Sciences
Classification: Likely benign for FREM1-related condition. Last evaluated: 2021-06-29. Review status: no assertion criteria provided. Collection method: clinical testing. Allele origin: germline. Not counted in ClinVar's aggregate classification.
Comment: This variant is classified as likely benign based on ACMG/AMP sequence variant interpretation guidelines (Richards et al. 2015 PMID: 25741868, with internal and published modifications).